The following is an entry in ClinVar:

ClinVar aggregate classification (germline): Uncertain significance (1 of 4 stars; one submission).

Allele frequency attached by ClinVar (database versions not stated): gnomAD exomes 0.00001; ExAC 0.00002; gnomAD 0.00002.
gnomAD v4.1: 14 of 1,613,826 alleles (0.00087%); highest among the groups gnomAD compares: Non-Finnish European, 0.001%; no homozygotes.

Submission:

Labcorp Genetics (formerly Invitae), Labcorp
Classification: Uncertain significance. Last evaluated: 2022-07-19. Review status: criteria provided, single submitter. Criteria: Invitae Variant Classification Sherloc (09022015). Collection method: clinical testing. Allele origin: germline.
Comment: This variant is present in population databases (rs779700858, gnomAD 0.004%). This variant has not been reported in the literature in individuals affected with IL17RD-related conditions. Algorithms developed to predict the effect of missense changes on protein structure and function are either unavailable or do not agree on the potential impact of this missense change (SIFT: "Not Available"; PolyPhen-2: "Probably Damaging"; Align-GVGD: "Not Available"). In summary, the available evidence is currently insufficient to determine the role of this variant in disease. Therefore, it has been classified as a Variant of Uncertain Significance. This sequence change replaces proline, which is neutral and non-polar, with leucine, which is neutral and non-polar, at codon 505 of the IL17RD protein (p.Pro505Leu).

NM_017563.5(IL17RD):c.1514C>T (p.Pro505Leu)

Genes: IL17RD (interleukin 17 receptor D; minus strand), LOC126806689 (BRD4-independent group 4 enhancer GRCh37_chr3:57131244-57132443; plus strand). Cytogenetic location: 3p14.3.
Variant type: single nucleotide variant.
Coding change: c.1514C>T on transcript NM_017563.5 (MANE Select); coding-DNA position 1514, C replaced by T.
Protein change: p.Pro505Leu; replaces proline 505 with leucine.
Molecular consequence: missense variant.
Genome position (GRCh38, 1-based): chr3:57,098,189, G>A on the plus strand (C>T on the coding strand, the complement: IL17RD is on the minus strand). VCF-style: chr3-57098189-G-A. GRCh37 (hg19) VCF-style: chr3-57132217-G-A.
Other names: c.1514C>T, p.Pro505Leu (NM_001080973.1); c.1082C>T, p.Pro361Leu (NM_001318864.2); short protein forms P505L, P361L.
Identifiers: ClinVar variation 2175948 (VCV002175948.4), dbSNP rs779700858, ClinGen allele CA2462719.
Genomic context (GRCh38, chr3:57,098,189, plus strand): 5'-GTGTGCTGCCCCGGCTCCTGGAGGCCGTGGTCTCGGGAGTGCAAGTGGGAACAGAGCTGA[G>A]GAAGATTGTCCATGAGTCTGTACTTGGTACTCAGGTCTAGGATACCGGGGACGTCTCCCT-3'
Protein context (NP_060033.3, residues 495-515): STKYRLMDNL[Pro505Leu]QLCSHLHSRD